The following is an entry in ClinVar:

ClinVar aggregate classification (germline): Uncertain significance (1 of 4 stars; one submission).

Submission:

Labcorp Genetics (formerly Invitae), Labcorp
Classification: Uncertain significance. Last evaluated: 2026-01-04. Review status: criteria provided, single submitter. Criteria: Invitae Variant Classification Sherloc (09022015). Collection method: clinical testing. Allele origin: germline.
Comment: This sequence change replaces valine, which is neutral and non-polar, with leucine, which is neutral and non-polar, at codon 95 of the HK1 protein (p.Val95Leu). This variant is not present in population databases (gnomAD no frequency). This variant has not been reported in the literature in individuals affected with HK1-related conditions. Invitae Evidence Modeling of protein sequence and biophysical properties (such as structural, functional, and spatial information, amino acid conservation, physicochemical variation, residue mobility, and thermodynamic stability) indicates that this missense variant is not expected to disrupt HK1 protein function with a negative predictive value of 80%. In summary, the available evidence is currently insufficient to determine the role of this variant in disease. Therefore, it has been classified as a Variant of Uncertain Significance.

NM_000188.3(HK1):c.283G>C (p.Val95Leu)

Gene: HK1 (hexokinase 1; plus strand). Cytogenetic location: 10q22.1.
Variant type: single nucleotide variant.
Coding change: c.283G>C on transcript NM_000188.3 (MANE Select); coding-DNA position 283, G replaced by C.
Protein change: p.Val95Leu; replaces valine 95 with leucine.
Molecular consequence: missense variant. On other transcripts: 5 prime UTR variant (2), non-coding transcript variant (2), intron variant (2).
Genome position (GRCh38, 1-based): chr10:69,359,953, G>C. VCF-style: chr10-69359953-G-C. GRCh37 (hg19) VCF-style: chr10-71119709-G-C.
Other names: c.295G>C, p.Val99Leu (NM_001322364.2, NM_001358263.1, NM_033497.3 and 1 more transcripts); c.388G>C, p.Val130Leu (NM_001322365.2); c.199G>C, p.Val67Leu (NM_001322366.1, NM_001441143.1); c.283G>C, p.Val95Leu (NM_001322367.1, NM_001441139.1, NM_001441141.1 and 5 more transcripts); c.274G>C, p.Val92Leu (NM_001441140.1); c.241G>C, p.Val81Leu (NM_001441142.1); c.61G>C, p.Val21Leu (NM_001441147.1); c.-454G>C (NM_001441152.1); and 5 more; short protein forms V92L, V94L, V99L, V130L, V95L, V21L, V67L, V81L.
Identifiers: ClinVar variation 4742671 (VCV004742671.1).